The following is an entry in ClinVar:

NM_005026.5(PIK3CD):c.1213C>T (p.Arg405Cys)

Genes: PIK3CD (phosphatidylinositol-4,5-bisphosphate 3-kinase catalytic subunit delta; plus strand), LOC126805612 (MED14-independent group 3 enhancer GRCh37_chr1:9778914-9780113; plus strand). Cytogenetic location: 1p36.22.
Variant type: single nucleotide variant.
Coding change: c.1213C>T on transcript NM_005026.5 (MANE Select); coding-DNA position 1213, C replaced by T.
Protein change: p.Arg405Cys; replaces arginine 405 with cysteine.
Molecular consequence: missense variant.
Genome position (GRCh38, 1-based): chr1:9,718,886, C>T. VCF-style: chr1-9718886-C-T. GRCh37 (hg19) VCF-style: chr1-9778944-C-T.
Other names: NM_005026.5(PIK3CD):c.1213C>T; p.Arg405Cys; c.1213C>T, p.Arg405Cys (NM_001350234.2); c.1126C>T, p.Arg376Cys (NM_001350235.1); short protein forms R376C, R405C.
Identifiers: ClinVar variation 871047 (VCV000871047.41), dbSNP rs1648004459, ClinGen allele CA338302352.

ClinVar aggregate classification (germline): Uncertain significance. Review status: reviewed by expert panel (3 of 4 stars). 2 submissions from 2 submitters: Uncertain significance (1). 1 of the submissions does not count toward it. Last evaluated 2025-12-19.

Conditions:
Immunodeficiency 14 (IMD14A). Also called: IMMUNODEFICIENCY 14A WITH LYMPHOPROLIFERATION, AUTOSOMAL DOMINANT; p110-DELTA-ACTIVATING MUTATION CAUSING SENESCENT T CELLS, LYMPHADENOPATHY, AND IMMUNODEFICIENCY; ACTIVATED PI3K-DELTA SYNDROME 1; Activated PI3K Delta Syndrome Type 1 (APDS1). Identifiers: Orphanet 397596, Orphanet 693661, MedGen C5907821, MONDO:0014222, OMIM 615513.

Submissions (2):

ClinGen Primary Immune Regulatory Disorders Variant Curation Expert Panel, ClinGen
Classification: Uncertain significance for Immunodeficiency 14. Last evaluated: 2025-12-19. Review status: reviewed by expert panel. Criteria: ClinGen AbDef ACMG Specifications PIK3CD V1.0.0. Collection method: curation. Allele origin: germline. Inheritance: Autosomal dominant inheritance.
Comment: NM_005026.5(PIK3CD):c.1213C>T (p.Arg405Cys) is a missense variant encoding the replacement of arginine with cysteine at amino acid 405. This variant is absent from gnomAD v4.1.0 (PM2_Supporting). This variant has been reported in at least 1 proband exhibiting a phenotype that included hypogammaglobulinemia (0.5 pts), bronchiectasis (4 pts), psoriasis (1 pt), defective antigen-specific immune response, and decreased class-switched memory B cell count (1 pt), with genotyping by next-generation sequencing of a panel of 242 primary immunodeficiency genes that did not identify an alternative basis of disease in the PIK3R1 gene (7.5 total pts, PMID: 29077208, PS4_Supporting). The computational predictor REVEL gives a score of 0.312, which is below the ClinGen Antibody Deficiencies VCEP threshold of >0.644 and does not predict a damaging effect on PIK3CD function. The computational predictor CADD gives a PHRED score of 28.6, which is above the ClinGen Antibody Deficiencies VCEP threshold of >25.3 and predicts a deleterious effect on PIK3CD function. Because the two predictors do not agree on a damaging effect, the PP3 code is not met. In summary, this variant meets the criteria to be classified as a variant of uncertain significance for autosomal dominant immunodeficiency 14 based on the ACMG/AMP criteria applied, as specified by the ClinGen Antibody Deficiencies VCEP: PM2_Supporting and PS4_Supporting. (VCEP specifications version 1.0.0).

CeGaT Center for Human Genetics Tuebingen
Classification: Uncertain significance. Last evaluated: 2019-10-01. Review status: criteria provided, single submitter. Criteria: CeGaT Center For Human Genetics Tuebingen Variant Classification Criteria Version 2. Collection method: clinical testing. Allele origin: germline. Affected: yes. Observed: 1 variant allele. Not counted in ClinVar's aggregate classification.